The following is an entry in ClinVar:

NM_000448.3(RAG1):c.305_312del (p.Ile102fs)

Gene: RAG1 (recombination activating 1; plus strand). Cytogenetic location: 11p12.
Variant type: Deletion.
Coding change: c.305_312del on transcript NM_000448.3 (MANE Select); coding-DNA positions 305 to 312, 8 bases deleted (TCCATCAA; older notation c.305_312delTCCATCAA).
Protein change: p.Ile102fs; shifts the reading frame from isoleucine 102.
Molecular consequence: frameshift variant.
Genome position (GRCh38, 1-based): chr11:36,573,609-36,573,616, TCCATCAA deleted; deleting any 8 consecutive bases within chr11:36,573,608-36,573,616 gives the same sequence; the c. name uses the placement nearest the transcript's 3' end. VCF-style (leftmost placement, unchanged base first): chr11-36573607-GATCCATCA-G. GRCh37 (hg19) VCF-style: chr11-36595157-GATCCATCA-G.
Other names: c.305_312del, p.Ile102fs (NM_001377277.1, NM_001377278.1, NM_001377279.1 and 1 more transcripts); short protein forms I102fs.
Identifiers: ClinVar variation 2953456 (VCV002953456.3), dbSNP rs760448302, ClinGen allele CA5949952.

ClinVar aggregate classification (germline): Pathogenic (1 of 4 stars; one submission).

Conditions:
Combined immunodeficiency with skin granulomas. Identifiers: Orphanet 157949, MedGen C2673536, MONDO:0009306, OMIM 233650.
Severe combined immunodeficiency, autosomal recessive, T cell-negative, B cell-negative, NK cell-positive. Also called: SCID, T CELL-NEGATIVE, B CELL-NEGATIVE, NK CELL-POSITIVE; Severe combined immunodeficiency due to complete RAG1/2 deficiency; SCID, AR, T-cell negative, B-cell negative, NK cell-positive. Identifiers: Orphanet 331206, MedGen C1832322, MONDO:0011086, OMIM 601457.

Submission:

Labcorp Genetics (formerly Invitae), Labcorp
Classification: Pathogenic for Combined immunodeficiency with skin granulomas; Severe combined immunodeficiency, autosomal recessive, T cell-negative, B cell-negative, NK cell-positive. Last evaluated: 2023-11-01. Review status: criteria provided, single submitter. Criteria: Invitae Variant Classification Sherloc (09022015). Collection method: clinical testing. Allele origin: germline.
Comment: This sequence change creates a premature translational stop signal (p.Ile102Serfs*15) in the RAG1 gene. While this is not anticipated to result in nonsense mediated decay, it is expected to disrupt the last 942 amino acid(s) of the RAG1 protein. This variant is present in population databases (rs760448302, gnomAD 0.0009%). This variant has not been reported in the literature in individuals affected with RAG1-related conditions. This variant disrupts a region of the RAG1 protein in which other variant(s) (p.Trp959*) have been determined to be pathogenic (PMID: 11133745, 24290284, 24406074). This suggests that this is a clinically significant region of the protein, and that variants that disrupt it are likely to be disease-causing. For these reasons, this variant has been classified as Pathogenic.

Literature cited by the submitters: PubMed 11133745; PubMed 24290284; PubMed 24406074.